The following is an entry in ClinVar:

NM_001033855.3(DCLRE1C):c.265A>G (p.Thr89Ala)

Gene: DCLRE1C (DNA cross-link repair 1C; minus strand). Cytogenetic location: 10p13.
Variant type: single nucleotide variant.
Coding change: c.265A>G on transcript NM_001033855.3 (MANE Select); coding-DNA position 265, A replaced by G.
Protein change: p.Thr89Ala; replaces threonine 89 with alanine.
Molecular consequence: missense variant. On other transcripts: 5 prime UTR variant (9), non-coding transcript variant (4).
Genome position (GRCh38, 1-based): chr10:14,939,851, T>C on the plus strand (A>G on the coding strand, the complement: DCLRE1C is on the minus strand). VCF-style: chr10-14939851-T-C. GRCh37 (hg19) VCF-style: chr10-14981850-T-C.
Other names: NM_001033855.3(DCLRE1C):c.265A>G; p.Thr89Ala; c.-96A>G (NM_001033857.3, NM_001033858.3, NM_001289077.2 and 2 more transcripts); c.-25A>G (NM_001289076.2, NM_001289078.2, NM_001350966.2 and 1 more transcripts); c.265A>G, p.Thr89Ala (NM_001350965.2); short protein forms T89A.
Identifiers: ClinVar variation 968725 (VCV000968725.38), dbSNP rs756366535, ClinGen allele CA5416935.

ClinVar aggregate classification (germline): Uncertain significance. Review status: reviewed by expert panel (3 of 4 stars). 5 submissions from 5 submitters: Uncertain significance (1). 4 of the submissions do not count toward it. Last evaluated 2024-02-15.

Conditions:
Histiocytic medullary reticulosis. Also called: Omenn syndrome; SEVERE COMBINED IMMUNODEFICIENCY WITH HYPEREOSINOPHILIA. Identifiers: Orphanet 39041, MedGen C2700553, MONDO:0011338, OMIM 603554.
Severe combined immunodeficiency due to DCLRE1C deficiency (RS-SCID). Also called: SCID, AUTOSOMAL RECESSIVE, T CELL-NEGATIVE, B CELL-NEGATIVE, NK CELL-POSITIVE, WITH SENSITIVITY TO IONIZING RADIATION. Identifiers: Orphanet 275, MedGen C1865371, MONDO:0011225, OMIM 602450.
Athabaskan severe combined immunodeficiency (SCIDA). Also called: Severe combined immunodeficiency, athabascan-type. Identifiers: MedGen C1865370.

Allele frequency attached by ClinVar (database versions not stated): TOPMed 0.00001; gnomAD exomes 0.00002; ExAC 0.00003; gnomAD 0.00003 and 0.00004.
gnomAD v4.1: 36 of 1,596,778 alleles (0.0023%); highest among the groups gnomAD compares: South Asian, 0.01%; no homozygotes.

Submissions (5):

ClinGen Severe Combined Immunodeficiency Variant Curation Expert Panel, ClinGen
Classification: Uncertain significance for Severe combined immunodeficiency due to DCLRE1C deficiency. Last evaluated: 2024-02-15. Review status: reviewed by expert panel. Criteria: ClinGen SCID ACMG Specifications DCLRE1C V1.0.0. Collection method: curation. Allele origin: germline. Inheritance: Autosomal recessive inheritance.
Comment: The c.265A>G (NM_001033855.3) variant in DCLRE1C is a missense variant predicted to cause the substitution of Threonine by Alanine at amino acid 89 (p.Thr89Ala). The filtering allele frequency (the upper threshold of the 95% CI of 9/89618) of the c.265A>G variant in DCLRE1C is 0.00005480 for South Asian chromosomes by gnomAD v4, which is higher than the ClinGen SCID VCEP threshold (<0.00003266) for PM2_Supporting, and therefore do not meet this criterion. Leaky SCID could not be confirmed with the limited evidence reported (PMID: 23701501). In summary, due to insufficient evidence, this variant meets the criteria to be classified as a Variant of Uncertain Significance for autosomal recessive severe combined immunodeficiency due to DCLRE1C deficiency based on the ACMG/AMP criteria applied, as specified by the ClinGen SCID VCEP (specification version 1.0): No criteria were applied.

Fulgent Genetics
Classification: Uncertain significance for Severe combined immunodeficiency due to DCLRE1C deficiency; Histiocytic medullary reticulosis. Last evaluated: 2022-04-22. Review status: criteria provided, single submitter. Criteria: ACMG Guidelines, 2015. Collection method: clinical testing. Allele origin: unknown. Not counted in ClinVar's aggregate classification.

Labcorp Genetics (formerly Invitae), Labcorp
Classification: Uncertain significance for Athabaskan severe combined immunodeficiency. Last evaluated: 2021-08-27. Review status: criteria provided, single submitter. Criteria: Invitae Variant Classification Sherloc (09022015). Collection method: clinical testing. Allele origin: germline. Not counted in ClinVar's aggregate classification.
Comment: This sequence change replaces threonine with alanine at codon 89 of the DCLRE1C protein (p.Thr89Ala). The threonine residue is moderately conserved and there is a small physicochemical difference between threonine and alanine. The frequency data for this variant in the population databases is considered unreliable, as metrics indicate poor data quality at this position in the ExAC database. This missense change has been observed in individual(s) with autoimmune hemolytic anemia (PMID: 23701501). Algorithms developed to predict the effect of missense changes on protein structure and function are either unavailable or do not agree on the potential impact of this missense change (SIFT: "Deleterious"; PolyPhen-2: "Benign"; Align-GVGD: "Class C0"). In summary, the available evidence is currently insufficient to determine the role of this variant in disease. Therefore, it has been classified as a Variant of Uncertain Significance.

CeGaT Center for Human Genetics Tuebingen
Classification: Uncertain significance. Last evaluated: 2021-08-01. Review status: criteria provided, single submitter. Criteria: CeGaT Center For Human Genetics Tuebingen Variant Classification Criteria Version 2. Collection method: clinical testing. Allele origin: germline. Affected: yes. Observed: 1 variant allele. Not counted in ClinVar's aggregate classification.

Natera, Inc.
Classification: Uncertain significance for Athabascan severe combined immunodeficiency. Last evaluated: 2021-03-04. Review status: no assertion criteria provided. Collection method: clinical testing. Allele origin: germline. Not counted in ClinVar's aggregate classification.

Literature cited by the submitters: PubMed 23701501 (cited by Labcorp Genetics (formerly Invitae), Labcorp).